The following is an entry in ClinVar:

ClinVar aggregate classification (germline): Uncertain significance. Review status: criteria provided, multiple submitters, no conflicts (2 of 4 stars). 2 submissions from 2 submitters: Uncertain significance (2). Last evaluated 2025-05-05.

Conditions:
Inborn genetic diseases. Identifiers: MedGen C0950123, MeSH D030342.

gnomAD v4.1: 2 of 1,602,250 alleles (0.00012%); highest among the groups gnomAD compares: African/African-American, 0.0013%; no homozygotes.

Submissions (2):

Ambry Genetics
Classification: Uncertain significance for Inborn genetic diseases. Last evaluated: 2025-05-05. Review status: criteria provided, single submitter. Criteria: Ambry Variant Classification Scheme 2023. Collection method: clinical testing. Allele origin: germline.
Comment: The p.R405L variant (also known as c.1214G>T), located in coding exon 7 of the FANCM gene, results from a G to T substitution at nucleotide position 1214. The arginine at codon 405 is replaced by leucine, an amino acid with dissimilar properties. This amino acid position is conserved. In addition, the in silico prediction for this alteration is inconclusive. Based on the available evidence, the clinical significance of this variant remains unclear.

GeneDx
Classification: Uncertain significance. Last evaluated: 2024-07-02. Review status: criteria provided, single submitter. Criteria: GeneDx Variant Classification Process June 2021. Collection method: clinical testing. Allele origin: germline. Affected: yes.
Comment: Not observed at significant frequency in large population cohorts (gnomAD); In silico analysis supports that this missense variant has a deleterious effect on protein structure/function; Has not been previously published as pathogenic or benign to our knowledge

NM_020937.4(FANCM):c.1214G>T (p.Arg405Leu)

Gene: FANCM (FA complementation group M; plus strand). Cytogenetic location: 14q21.2.
Variant type: single nucleotide variant.
Coding change: c.1214G>T on transcript NM_020937.4 (MANE Select); coding-DNA position 1214, G replaced by T.
Protein change: p.Arg405Leu; replaces arginine 405 with leucine.
Molecular consequence: missense variant.
Genome position (GRCh38, 1-based): chr14:45,154,727, G>T. VCF-style: chr14-45154727-G-T. GRCh37 (hg19) VCF-style: chr14-45623930-G-T.
Other names: c.1136G>T, p.Arg379Leu (NM_001308133.2); c.1214G>T, p.Arg405Leu (NM_001308134.2); short protein forms R379L, R405L.
Identifiers: ClinVar variation 3393615 (VCV003393615.2).